The following is an entry in ClinVar:

ClinVar aggregate classification (germline): Uncertain significance (1 of 4 stars; one submission).

Submission:

Labcorp Genetics (formerly Invitae), Labcorp
Classification: Uncertain significance. Last evaluated: 2022-10-03. Review status: criteria provided, single submitter. Criteria: Invitae Variant Classification Sherloc (09022015). Collection method: clinical testing. Allele origin: germline.
Comment: Experimental studies and prediction algorithms are not available or were not evaluated, and the functional significance of this variant is currently unknown. ClinVar contains an entry for this variant (Variation ID: 1357281). This frameshift has been observed in individual(s) with Leigh-like syndrome and/or mitochondrial short-chain enoyl-CoA hydratase 1 deficiency (PMID: 32642440, 32777769; Invitae). In at least one individual the data is consistent with being in trans (on the opposite chromosome) from a pathogenic variant. This variant is present in population databases (no rsID available, gnomAD 0.003%). This sequence change results in a frameshift in the ECHS1 gene (p.Lys284Profs*31). While this is not anticipated to result in nonsense mediated decay, it is expected to disrupt the last 7 amino acid(s) of the ECHS1 protein and extend the protein by 23 additional amino acid residues. In summary, the available evidence is currently insufficient to determine the role of this variant in disease. Therefore, it has been classified as a Variant of Uncertain Significance.

Literature cited by the submitters: PubMed 32642440; PubMed 32777769.

NM_004092.4(ECHS1):c.849_852del (p.Lys284fs)

Gene: ECHS1 (enoyl-CoA hydratase, short chain 1; minus strand). Cytogenetic location: 10q26.3.
Variant type: Deletion.
Coding change: c.849_852del on transcript NM_004092.4 (MANE Select); coding-DNA positions 849 to 852, 4 bases deleted (AAAG; older notation c.849_852delAAAG).
Protein change: p.Lys284fs; shifts the reading frame from lysine 284.
Molecular consequence: frameshift variant.
Genome position (GRCh38, 1-based): chr10:133,362,889-133,362,892, CTTT deleted on the plus strand (AAAG on the coding strand, the reverse complement: ECHS1 is on the minus strand); deleting any 4 consecutive bases within chr10:133,362,889-133,362,894 gives the same sequence; the c. name uses the placement nearest the transcript's 3' end. VCF-style (leftmost placement, unchanged base first): chr10-133362888-CCTTT-C. GRCh37 (hg19) VCF-style: chr10-135176392-CCTTT-C.
Other names: short protein forms K284fs.
Identifiers: ClinVar variation 1357281 (VCV001357281.6), dbSNP rs1414662857, ClinGen allele CA596739855.
Genomic context (GRCh38, chr10:133,362,888, plus strand): 5'-TCCTCTCCAAGCAGAGGTGTGAAGCAGGGGCAGCTGGTTCTCACTGGTCTTTGAAGTTGG[CCTTT>C]CTCTTTTCCACAAACGCGGTCATCCCTTCTTTCCGGTCATCCTGGCAGGAAAAGGAACAG-3'